The following is an entry in ClinVar:

ClinVar aggregate classification (germline): Conflicting classifications of pathogenicity. Review status: criteria provided, conflicting classifications (1 of 4 stars). 7 submissions from 7 submitters: Likely pathogenic (2); Uncertain significance (5). Last evaluated 2026-07-01.

Conditions:
Autosomal dominant Alport syndrome (ATS3A). Also called: Renal failure and sensorineural hearing loss; Alport syndrome dominant type; ALPORT SYNDROME 3A, AUTOSOMAL DOMINANT. Identifiers: Orphanet 63, Orphanet 88918, MedGen C5882663, MONDO:0007086, OMIM 104200.
Alport syndrome 3b, autosomal recessive. Identifiers: MedGen C5882699, MONDO:0957811, OMIM 620536.
Hematuria, benign familial, 2 (BFH2). Identifiers: MedGen C5830421, MONDO:0958186, OMIM 620320.
Alport syndrome. Also called: Hemorrhagic familial nephritis; Hemorrhagic hereditary nephritis; Congenital hereditary hematuria. Identifiers: Orphanet 63, MedGen C1567741, MONDO:0018965.
COL4A3-related disorder. Also called: COL4A3-Related Disorders; COL4A3-related condition.

Allele frequency attached by ClinVar (database versions not stated): gnomAD 0.00005 and 0.00006; TOPMed 0.00005; ExAC 0.00007.
gnomAD v4.1: 150 of 1,613,808 alleles (0.0093%); highest among the groups gnomAD compares: Admixed American, 0.03%; no homozygotes.

Submissions (7):

PreventionGenetics, part of Exact Sciences
Classification: Uncertain significance for COL4A3-related condition. Last evaluated: 2026-07-01. Review status: criteria provided, single submitter. Criteria: ACMG Guidelines, 2015. Collection method: clinical testing. Allele origin: germline.
Comment: The COL4A3 c.1459G>A variant is predicted to result in the amino acid substitution p.Gly487Ser. To our knowledge this variant has not been reported in the literature. The p.Gly487 residue is located in the conserved triple helical domain, where substitutions of the glycine are usually pathogenic (UniProt residues 43-1438, Hudson et al. 1993. PubMed ID: 8253711; Nozu et al. 2001. [Update 2025]. PubMed ID: 20301386). This variant is reported in 0.042% of alleles in individuals of Latino descent in gnomAD, including 150 heterozygotes in the gnomAD v4.1.1 database. At this time, the clinical significance of this variant is uncertain due to the absence of conclusive functional and genetic evidence.

Natera, Inc.
Classification: Likely pathogenic for Alport syndrome. Last evaluated: 2025-08-20. Review status: criteria provided, single submitter. Criteria: Natera Variant Classification Schema (03/2026). Collection method: clinical testing. Allele origin: germline.
Comment: The c.1459G>A variant in COL4A3 is a missense variant predicted to cause substitution of glycine to serine at amino acid 487. This variant is rare in the general population with a frequency below the threshold expected for the associated phenotype(s). This variant is located in a functionally critical region of the protein. Computational prediction algorithms indicate this variant is likely to affect gene or protein function. Given the available evidence, this variant is classified as Likely Pathogenic.

Labcorp Genetics (formerly Invitae), Labcorp
Classification: Uncertain significance. Last evaluated: 2024-11-27. Review status: criteria provided, single submitter. Criteria: Invitae Variant Classification Sherloc (09022015). Collection method: clinical testing. Allele origin: germline.
Comment: This sequence change replaces glycine, which is neutral and non-polar, with serine, which is neutral and polar, at codon 487 of the COL4A3 protein (p.Gly487Ser). This variant is present in population databases (rs745472969, gnomAD 0.04%). This variant has not been reported in the literature in individuals affected with COL4A3-related conditions. ClinVar contains an entry for this variant (Variation ID: 1309543). Invitae Evidence Modeling of protein sequence and biophysical properties (such as structural, functional, and spatial information, amino acid conservation, physicochemical variation, residue mobility, and thermodynamic stability) has been performed for this missense variant. However, the output from this modeling did not meet the statistical confidence thresholds required to predict the impact of this variant on COL4A3 protein function. In summary, the available evidence is currently insufficient to determine the role of this variant in disease. Therefore, it has been classified as a Variant of Uncertain Significance.

Blueprint Genetics
Classification: Uncertain significance. Last evaluated: 2024-08-16. Review status: criteria provided, single submitter. Criteria: ACMG Guidelines, 2015. Collection method: clinical testing. Allele origin: germline.

Fulgent Genetics
Classification: Likely pathogenic for Autosomal dominant Alport syndrome; Hematuria, benign familial, 2; Alport syndrome 3b, autosomal recessive. Last evaluated: 2024-06-20. Review status: criteria provided, single submitter. Criteria: ACMG Guidelines, 2015. Collection method: clinical testing. Allele origin: germline.

GeneDx
Classification: Uncertain significance. Last evaluated: 2022-08-02. Review status: criteria provided, single submitter. Criteria: GeneDx Variant Classification Process June 2021. Collection method: clinical testing. Allele origin: germline. Affected: yes.
Comment: In silico analysis, which includes protein predictors and evolutionary conservation, supports a deleterious effect; Affects a glycine residue in a Gly-X-Y motif in the triple helical region of the COL4A3 gene; Has not been previously published as pathogenic or benign to our knowledge

Neuberg Centre For Genomic Medicine, NCGM
Classification: Uncertain significance for Autosomal dominant Alport syndrome. Review status: criteria provided, single submitter. Criteria: ACMG Guidelines, 2015. Collection method: clinical testing. Allele origin: germline. Inheritance: Autosomal dominant inheritance. Affected: yes.
Comment: The observed missense c.1459G>A(p.Gly487Ser) variant in COL4A3 gene has not been reported previously as a pathogenic variant nor as a benign variant, to our knowledge. This variant is reported with the allele frequency of 0.01% in the gnomAD Exomes. This variant has been reported to the ClinVar database as Uncertain Significance. However, no details are available for independent assessment. The amino acid Gly at position 487 is changed to a Ser changing protein sequence and it might alter its composition and physico-chemical properties. The amino acid change p.Gly487Ser in COL4A3 is predicted as conserved by GERP++ and PhyloP across 100 vertebrates. The variant is predicted as damaging by SIFT. For these reasons, this variant has been classified as Uncertain Significance.

NM_000091.5(COL4A3):c.1459G>A (p.Gly487Ser)

Genes: COL4A3 (collagen type IV alpha 3 chain; plus strand), MFF-DT (MFF divergent transcript; minus strand). Cytogenetic location: 2q36.3.
Variant type: single nucleotide variant.
Coding change: c.1459G>A on transcript NM_000091.5 (MANE Select); coding-DNA position 1459, G replaced by A.
Protein change: p.Gly487Ser; replaces glycine 487 with serine.
Molecular consequence: missense variant.
Genome position (GRCh38, 1-based): chr2:227,267,043, G>A. VCF-style: chr2-227267043-G-A. GRCh37 (hg19) VCF-style: chr2-228131759-G-A.
Other names: short protein forms G487S.
Identifiers: ClinVar variation 1309543 (VCV001309543.11), dbSNP rs745472969, ClinGen allele CA2146665.